The following is an entry in ClinVar:

ClinVar aggregate classification (germline): Uncertain significance (1 of 4 stars; one submission).

Conditions:
HACE1-related disorder. Also called: HACE1-related condition.

gnomAD v4.1: 18 of 1,610,984 alleles (0.0011%); highest among the groups gnomAD compares: East Asian, 0.018%; no homozygotes.

Submission:

PreventionGenetics, part of Exact Sciences
Classification: Uncertain significance for HACE1-related condition. Last evaluated: 2025-09-12. Review status: criteria provided, single submitter. Criteria: ACMG Guidelines, 2015. Collection method: clinical testing. Allele origin: germline.
Comment: The HACE1 c.995G>A variant is predicted to result in the amino acid substitution p.Arg332Gln. To our knowledge, this variant has not been reported in the literature or in a large population database (gnomAD), indicating this variant is rare. At this time, the clinical significance of this variant is uncertain due to the absence of conclusive functional and genetic evidence.

NM_020771.4(HACE1):c.995G>A (p.Arg332Gln)

Gene: HACE1 (HECT domain and ankyrin repeat containing E3 ubiquitin protein ligase 1; minus strand). Cytogenetic location: 6q16.3.
Variant type: single nucleotide variant.
Coding change: c.995G>A on transcript NM_020771.4 (MANE Select); coding-DNA position 995, G replaced by A.
Protein change: p.Arg332Gln; replaces arginine 332 with glutamine.
Molecular consequence: missense variant. On other transcripts: non-coding transcript variant (7).
Genome position (GRCh38, 1-based): chr6:104,791,583, C>T on the plus strand (G>A on the coding strand, the complement: HACE1 is on the minus strand). VCF-style: chr6-104791583-C-T. GRCh37 (hg19) VCF-style: chr6-105239458-C-T.
Other names: c.863G>A, p.Arg288Gln (NM_001321080.2); c.893G>A, p.Arg298Gln (NM_001321083.2); c.491G>A, p.Arg164Gln (NM_001321084.2, NM_001350557.2, NM_001350558.2); c.761G>A, p.Arg254Gln (NM_001350554.2); c.704G>A, p.Arg235Gln (NM_001350555.2); c.509G>A, p.Arg170Gln (NM_001350556.2); c.413G>A, p.Arg138Gln (NM_001350559.2); c.212G>A, p.Arg71Gln (NM_001350560.2); short protein forms R254Q, R298Q, R138Q, R164Q, R170Q, R235Q, R288Q, R71Q.
Identifiers: ClinVar variation 4987157 (VCV004987157.1).